The following is an entry in ClinVar:

NM_014679.5(CEP57):c.209T>G (p.Phe70Cys)

Gene: CEP57 (centrosomal protein 57; plus strand). Cytogenetic location: 11q21.
Variant type: single nucleotide variant.
Coding change: c.209T>G on transcript NM_014679.5 (MANE Select); coding-DNA position 209, T replaced by G.
Protein change: p.Phe70Cys; replaces phenylalanine 70 with cysteine.
Molecular consequence: missense variant. On other transcripts: intron variant (3).
Genome position (GRCh38, 1-based): chr11:95,812,938, T>G. VCF-style: chr11-95812938-T-G. GRCh37 (hg19) VCF-style: chr11-95546102-T-G.
Other names: c.128T>G, p.Phe43Cys (NM_001440878.1, NM_001363604.2, NM_001440869.1 and 3 more transcripts); c.209T>G, p.Phe70Cys (NM_001440879.1, NM_001440882.1, NM_001243777.2 and 4 more transcripts); c.203-530T>G (NM_001440873.1, NM_001440881.1); c.122-530T>G (NM_001440880.1); c.182T>G, p.Phe61Cys (NM_001243776.2); short protein forms F43C, F70C, F61C.
Identifiers: ClinVar variation 4613532 (VCV004613532.1).

ClinVar aggregate classification (germline): Uncertain significance (1 of 4 stars; one submission).

Conditions:
Inborn genetic diseases. Identifiers: MedGen C0950123, MeSH D030342.

Submission:

Ambry Genetics
Classification: Uncertain significance for Inborn genetic diseases. Last evaluated: 2025-10-16. Review status: criteria provided, single submitter. Criteria: Ambry Variant Classification Scheme 2023. Collection method: clinical testing. Allele origin: germline.
Comment: The p.F70C variant (also known as c.209T>G), located in coding exon 3 of the CEP57 gene, results from a T to G substitution at nucleotide position 209. The phenylalanine at codon 70 is replaced by cysteine, an amino acid with highly dissimilar properties. This amino acid position is conserved. In addition, the in silico prediction for this alteration is inconclusive. Based on the available evidence, the clinical significance of this variant remains unclear.